The following is an entry in ClinVar:

ClinVar aggregate classification (germline): Conflicting classifications of pathogenicity. Review status: criteria provided, conflicting classifications (1 of 4 stars). 6 submissions from 6 submitters: Uncertain significance (5); Likely benign (1). Last evaluated 2025-06-27.

Conditions:
Hereditary breast ovarian cancer syndrome. Also called: Hereditary breast and ovarian cancer; Hereditary breast and ovarian cancer syndrome (HBOC); Hereditary breast and/or ovarian cancer syndrome; Breast and ovarian cancer; Hereditary breast and ovarian cancer syndrome; BRCA1- and BRCA2-Associated Hereditary Breast and Ovarian Cancer. Identifiers: Orphanet 145, MedGen C0677776, MeSH D061325, MONDO:0003582. Disease mechanism: loss of function.
Hereditary cancer-predisposing syndrome. Also called: Tumor predisposition; Neoplastic Syndromes, Hereditary; Hereditary Cancer Syndrome; Hereditary neoplastic syndrome. Identifiers: Orphanet 140162, MedGen C0027672, MeSH D009386, MONDO:0015356.
Breast-ovarian cancer, familial, susceptibility to, 2 (BROVCA2). Also called: BRCA2 Hereditary Breast and Ovarian Cancer. Identifiers: Orphanet 145, MedGen C2675520, MONDO:0012933, OMIM 612555. Disease mechanism: loss of function.

Allele frequency attached by ClinVar (database versions not stated): gnomAD exomes below 0.00001.
gnomAD v4.1: 1 of 1,606,740 alleles (0.000062%); highest among the groups gnomAD compares: East Asian, 0.0022%; no homozygotes.

Submissions (6):

Ambry Genetics
Classification: Uncertain significance for Hereditary cancer-predisposing syndrome. Last evaluated: 2025-06-27. Review status: criteria provided, single submitter. Criteria: Ambry Variant Classification Scheme 2023. Collection method: clinical testing. Allele origin: germline.
Comment: The p.S2091R variant (also known as c.6273T>A), located in coding exon 10 of the BRCA2 gene, results from a T to A substitution at nucleotide position 6273. The serine at codon 2091 is replaced by arginine, an amino acid with dissimilar properties. This amino acid position is poorly conserved in available vertebrate species. In addition, this alteration is predicted to be tolerated by in silico analysis. Based on the available evidence, the clinical significance of this variant remains unclear.

Labcorp Genetics (formerly Invitae), Labcorp
Classification: Uncertain significance for Hereditary breast ovarian cancer syndrome. Last evaluated: 2025-03-04. Review status: criteria provided, single submitter. Criteria: Invitae Variant Classification Sherloc (09022015). Collection method: clinical testing. Allele origin: germline.
Comment: This sequence change replaces serine, which is neutral and polar, with arginine, which is basic and polar, at codon 2091 of the BRCA2 protein (p.Ser2091Arg). This variant is not present in population databases (gnomAD no frequency). This variant has not been reported in the literature in individuals affected with BRCA2-related conditions. ClinVar contains an entry for this variant (Variation ID: 418083). Invitae Evidence Modeling of protein sequence and biophysical properties (such as structural, functional, and spatial information, amino acid conservation, physicochemical variation, residue mobility, and thermodynamic stability) indicates that this missense variant is not expected to disrupt BRCA2 protein function with a negative predictive value of 95%. In summary, the available evidence is currently insufficient to determine the role of this variant in disease. Therefore, it has been classified as a Variant of Uncertain Significance.

All of Us Research Program, National Institutes of Health
Classification: Uncertain significance for Breast-ovarian cancer, familial, susceptibility to, 2. Last evaluated: 2023-11-30. Review status: criteria provided, single submitter. Criteria: ACMG Guidelines, 2015. Collection method: clinical testing. Allele origin: germline. Inheritance: Autosomal dominant inheritance. Observed: 1 variant allele, 1 heterozygote.
Comment: This study involves interpretation of variants in research participants for the purpose of population health screening. Participant phenotype was not available at the time of variant classification. Additional details can be found in publication PMID: 35346344, PMCID: PMC8962531

GeneDx
Classification: Uncertain significance. Last evaluated: 2023-04-12. Review status: criteria provided, single submitter. Criteria: GeneDx Variant Classification Process June 2021. Collection method: clinical testing. Allele origin: germline. Affected: yes.
Comment: Not observed at significant frequency in large population cohorts (gnomAD); In silico analysis supports that this missense variant does not alter protein structure/function; Has not been previously published as pathogenic or benign to our knowledge; Also known as 6501T>A; This variant is associated with the following publications: (PMID: 32377563, 31911673)

University of Washington Department of Laboratory Medicine, University of Washington
Classification: Likely benign for Hereditary cancer-predisposing syndrome. Last evaluated: 2023-03-23. Review status: criteria provided, single submitter. Criteria: Dines et al. (Genet Med. 2020). Collection method: curation. Allele origin: germline.
Comment: Missense variant in a coldspot region where missense variants are very unlikely to be pathogenic (PMID:31911673).

BRCA2 exon 11 coldspot. Reclassification based on statistical prior probability.

Quest Diagnostics Nichols Institute San Juan Capistrano
Classification: Uncertain significance. Last evaluated: 2016-11-30. Review status: criteria provided, single submitter. Criteria: Quest Diagnostics criteria. Collection method: clinical testing. Allele origin: germline.

NM_000059.4(BRCA2):c.6273T>A (p.Ser2091Arg)

Gene: BRCA2 (BRCA2 DNA repair associated; plus strand). Cytogenetic location: 13q13.1.
Variant type: single nucleotide variant.
Coding change: c.6273T>A on transcript NM_000059.4 (MANE Select); coding-DNA position 6273, T replaced by A.
Protein change: p.Ser2091Arg; replaces serine 2091 with arginine.
Molecular consequence: missense variant.
Genome position (GRCh38, 1-based): chr13:32,340,628, T>A. VCF-style: chr13-32340628-T-A. GRCh37 (hg19) VCF-style: chr13-32914765-T-A.
Other names: short protein forms S2091R.
Identifiers: ClinVar variation 418083 (VCV000418083.20), dbSNP rs966360777, ClinGen allele CA16619739.
Genomic context (GRCh38, chr13:32,340,628, plus strand): 5'-TTCCTTACACAAAGTTAAGGGAGTGTTAGAGGAATTTGATTTAATCAGAACTGAGCATAG[T>A]CTTCACTATTCACCTACGTCTAGACAAAATGTATCAAAAATACTTCCTCGTGTTGATAAG-3'
Protein context (NP_000050.3, residues 2081-2101): EEFDLIRTEH[Ser2091Arg]LHYSPTSRQN